The following is an entry in ClinVar:

ClinVar aggregate classification (germline): Pathogenic. Review status: criteria provided, multiple submitters, no conflicts (2 of 4 stars). 6 submissions from 6 submitters: Pathogenic (5). 1 of the submissions does not count toward it. Last evaluated 2024-09-23.

Conditions:
Osteogenesis imperfecta (OI). Identifiers: Orphanet 666, MedGen C0029434, MeSH D010013, MONDO:0019019.
COL1A1-related disorder. Also called: COL1A1- related disease; COL1A1-related condition.
Osteogenesis imperfecta with normal sclerae, dominant form (OI4). Also called: OSTEOGENESIS IMPERFECTA, TYPE IV, WITH DENTINOGENESIS IMPERFECTA; Osteogenesis Imperfecta Type IV; Common Variable Osteogenesis Imperfecta with Normal Sclerae; OSTEOGENESIS IMPERFECTA WITH NORMAL SCLERAE; Osteogenesis imperfecta type 4. Identifiers: Orphanet 216820, Orphanet 666, MedGen C0268363, MONDO:0008148, OMIM 166220.
Osteogenesis imperfecta type I (OI1). Also called: Lobstein disease; Classic Non-deforming Osteogenesis Imperfecta with Blue Sclerae; OI, TYPE I; OSTEOGENESIS IMPERFECTA TARDA; OSTEOGENESIS IMPERFECTA WITH BLUE SCLERAE; Osteogenesis imperfecta type 1. Identifiers: Orphanet 216796, Orphanet 666, MedGen C0023931, MONDO:0008146, OMIM 166200. Disease mechanism: loss of function.

Submissions (6):

Women's Health and Genetics/Laboratory Corporation of America, LabCorp
Classification: Pathogenic for Osteogenesis imperfecta. Last evaluated: 2024-09-23. Review status: criteria provided, single submitter. Criteria: LabCorp Variant Classification Summary - May 2015. Collection method: clinical testing. Allele origin: germline.
Comment: Variant summary: COL1A1 c.2775delT (p.Gly926ValfsX182) results in a premature termination codon, predicted to cause a truncation of the encoded protein or absence of the protein due to nonsense mediated decay, which are commonly known mechanisms for disease. The variant was absent in 250206 control chromosomes. c.2775delT has been reported in the literature in heterozygous individuals affected with Osteogenesis Imperfecta and in one individual the variant is detected as de novo (Chang_2016, Li_2019, Ju_2020, Mei_2022, Coetzer_2023). These data indicate that the variant is likely associated with disease. To our knowledge, no experimental evidence demonstrating an impact on protein function has been reported. The following publications have been ascertained in the context of this evaluation (PMID: 38102329, 31414283, 30715774, 35909573, 27748872). ClinVar contains an entry for this variant (Variation ID: 236248). Based on the evidence outlined above, the variant was classified as pathogenic.

Labcorp Genetics (formerly Invitae), Labcorp
Classification: Pathogenic for Osteogenesis imperfecta type I. Last evaluated: 2024-06-17. Review status: criteria provided, single submitter. Criteria: Invitae Variant Classification Sherloc (09022015). Collection method: clinical testing. Allele origin: germline.
Comment: This sequence change creates a premature translational stop signal (p.Gly926Valfs*182) in the COL1A1 gene. It is expected to result in an absent or disrupted protein product. Loss-of-function variants in COL1A1 are known to be pathogenic (PMID: 7942841, 9295084, 9443882). This variant is not present in population databases (gnomAD no frequency). This premature translational stop signal has been observed in individuals with osteogenesis imperfecta (PMID: 27748872, 30715774, 31414283). ClinVar contains an entry for this variant (Variation ID: 236248). For these reasons, this variant has been classified as Pathogenic.

GeneDx
Classification: Pathogenic. Last evaluated: 2023-11-29. Review status: criteria provided, single submitter. Criteria: GeneDx Variant Classification Process June 2021. Collection method: clinical testing. Allele origin: germline. Affected: yes.
Comment: Frameshift variant predicted to result in protein truncation or nonsense mediated decay in a gene for which loss of function is a known mechanism of disease; Not observed at significant frequency in large population cohorts (gnomAD); This variant is associated with the following publications: (PMID: 30715774, 27748872, 26627451, 31414283)

3billion
Classification: Pathogenic for Osteogenesis imperfecta with normal sclerae, dominant form. Last evaluated: 2022-01-03. Review status: criteria provided, single submitter. Criteria: ACMG Guidelines, 2015. Collection method: clinical testing. Allele origin: germline. Affected: yes. Observed: 1 heterozygote.
Comment: Frameshift: predicted to result in a loss or disruption of normal protein function through nonsense-mediated decay (NMD) or protein truncation. Multiple pathogenic variants are reported downstream of the variant (PVS1_VS). It is not observed in the gnomAD v2.1.1 dataset (PM2_M). The variant has been reported to be associated with COL1A1 related disorder (ClinVar ID: VCV000236248, PMID:27748872).Therefore, this variant is classified as pathogenic according to the recommendation of ACMG/AMP guideline.

Blueprint Genetics
Classification: Pathogenic for COL1A1-related disorders. Last evaluated: 2019-10-18. Review status: criteria provided, single submitter. Criteria: ACMG Guidelines, 2015. Collection method: clinical testing. Allele origin: germline. Affected: yes. Observed: 1 variant allele.

Laboratory Genomica, Gynecology and Assisted Reproduction Hospital Malinov DM
Classification: Pathogenic for Osteogenesis imperfecta type I. Last evaluated: 2015-10-05. Review status: no assertion criteria provided. Collection method: clinical testing. Allele origin: germline. Inheritance: Autosomal dominant inheritance. Affected: yes. Observed: 1 variant allele, 1 heterozygote. Not counted in ClinVar's aggregate classification.

Literature cited by the submitters: PubMed 30715774 (cited by Women's Health and Genetics/Laboratory Corporation of America, LabCorp and Labcorp Genetics (formerly Invitae), Labcorp); PubMed 35909573 (cited by Women's Health and Genetics/Laboratory Corporation of America, LabCorp); PubMed 38102329 (cited by Women's Health and Genetics/Laboratory Corporation of America, LabCorp); PubMed 31414283 (cited by Women's Health and Genetics/Laboratory Corporation of America, LabCorp and Labcorp Genetics (formerly Invitae), Labcorp); PubMed 27748872 (cited by 3 submitters); PubMed 7942841 (cited by Labcorp Genetics (formerly Invitae), Labcorp); PubMed 9295084 (cited by Labcorp Genetics (formerly Invitae), Labcorp); PubMed 9443882 (cited by Labcorp Genetics (formerly Invitae), Labcorp).

NM_000088.4(COL1A1):c.2775del (p.Gly926fs)

Gene: COL1A1 (collagen type I alpha 1 chain; minus strand). Cytogenetic location: 17q21.33.
Variant type: Deletion.
Coding change: c.2775del on transcript NM_000088.4 (MANE Select); coding-DNA position 2775, one base deleted (T; older notation c.2775delT).
Protein change: p.Gly926fs; shifts the reading frame from glycine 926.
Molecular consequence: frameshift variant.
Genome position (GRCh38, 1-based): chr17:50,189,431, A deleted on the plus strand (T on the coding strand, the reverse complement: COL1A1 is on the minus strand). VCF-style (leftmost placement, unchanged base first): chr17-50189430-CA-C. GRCh37 (hg19) VCF-style: chr17-48266791-CA-C.
Other names: c.2775delT (NM_000088.3, NM_000088.4); c.2775del (NM_000088.3); short protein forms G926fs.
Identifiers: ClinVar variation 236248 (VCV000236248.14), dbSNP rs878853274, ClinGen allele CA10581579.